The following is an entry in ClinVar:

NM_007186.6(CEP250):c.3523C>T (p.Gln1175Ter)

Gene: CEP250 (centrosomal protein 250; plus strand). Cytogenetic location: 20q11.22.
Variant type: single nucleotide variant.
Coding change: c.3523C>T on transcript NM_007186.6 (MANE Select); coding-DNA position 3523, C replaced by T.
Protein change: p.Gln1175Ter; replaces glutamine 1175 with a stop codon.
Molecular consequence: nonsense.
Genome position (GRCh38, 1-based): chr20:35,497,935, C>T. VCF-style: chr20-35497935-C-T. GRCh37 (hg19) VCF-style: chr20-34085764-C-T.
Other names: c.1627C>T, p.Gln543Ter (NM_001318219.1); short protein forms Q543*, Q1175*.
Identifiers: ClinVar variation 3691105 (VCV003691105.2).
Genomic context (GRCh38, chr20:35,497,935, plus strand): 5'-CGACTGCGCAGCACAGAGAGCCAGCTAGAAGCGCTGGCCGCAGAGCAGCAGCCCGGGAAC[C>T]AGGCCCAGGCCCAGGCCCAGCTGGCCAGCCTCTACTCTGCCCTGCAGCAGGCCCTGGGGT-3'

ClinVar aggregate classification (germline): Pathogenic (1 of 4 stars; one submission).

gnomAD v4.1: 1 of 1,610,268 alleles (0.000062%); highest among the groups gnomAD compares: Non-Finnish European, 0.000085%; no homozygotes.

Submission:

Labcorp Genetics (formerly Invitae), Labcorp
Classification: Pathogenic. Last evaluated: 2024-05-23. Review status: criteria provided, single submitter. Criteria: Invitae Variant Classification Sherloc (09022015). Collection method: clinical testing. Allele origin: germline.
Comment: This sequence change creates a premature translational stop signal (p.Gln1175*) in the CEP250 gene. It is expected to result in an absent or disrupted protein product. Loss-of-function variants in CEP250 are known to be pathogenic (PMID: 24780881, 29718797). This variant is present in population databases (no rsID available, gnomAD 0.001%). This variant has not been reported in the literature in individuals affected with CEP250-related conditions. For these reasons, this variant has been classified as Pathogenic.

Literature cited by the submitters: PubMed 24780881; PubMed 29718797.